The following is an entry in ClinVar:

NM_001130144.3(LTBP3):c.2894-3C>T

Gene: LTBP3 (latent transforming growth factor beta binding protein 3; minus strand). Cytogenetic location: 11q13.1.
Variant type: single nucleotide variant.
Coding change: c.2894-3C>T on transcript NM_001130144.3 (MANE Select); 3 bases into the intron before coding-DNA position 2894, C replaced by T.
Molecular consequence: intron variant.
Genome position (GRCh38, 1-based): chr11:65,540,957, G>A on the plus strand (C>T on the coding strand, the complement: LTBP3 is on the minus strand). VCF-style: chr11-65540957-G-A. GRCh37 (hg19) VCF-style: chr11-65308428-G-A.
Other names: c.2543-3C>T (NM_001164266.1); c.2894-3C>T (NM_021070.4).
Identifiers: ClinVar variation 2726314 (VCV002726314.3), dbSNP rs759360686, ClinGen allele CA6100441.

ClinVar aggregate classification (germline): Uncertain significance (1 of 4 stars; one submission).

Conditions:
Brachyolmia-amelogenesis imperfecta syndrome. Also called: PLATYSPONDYLY WITH AMELOGENESIS IMPERFECTA; Tooth agenesis, selective, 6; Dental anomalies and short stature. Identifiers: Orphanet 2899, MedGen C1832594, MONDO:0011018, OMIM 601216. Disease mechanism: loss of function.

Allele frequency attached by ClinVar (database versions not stated): gnomAD exomes 0.00001; ExAC 0.00002.
gnomAD v4.1: 11 of 1,612,810 alleles (0.00068%); highest among the groups gnomAD compares: East Asian, 0.02%; no homozygotes.

Submission:

Labcorp Genetics (formerly Invitae), Labcorp
Classification: Uncertain significance for Brachyolmia-amelogenesis imperfecta syndrome. Last evaluated: 2023-04-03. Review status: criteria provided, single submitter. Criteria: Invitae Variant Classification Sherloc (09022015). Collection method: clinical testing. Allele origin: germline.
Comment: In summary, the available evidence is currently insufficient to determine the role of this variant in disease. Therefore, it has been classified as a Variant of Uncertain Significance. Variants that disrupt the consensus splice site are a relatively common cause of aberrant splicing (PMID: 17576681, 9536098). Algorithms developed to predict the effect of sequence changes on RNA splicing suggest that this variant is not likely to affect RNA splicing. This variant has not been reported in the literature in individuals affected with LTBP3-related conditions. This variant is present in population databases (rs759360686, gnomAD 0.02%). This sequence change falls in intron 20 of the LTBP3 gene. It does not directly change the encoded amino acid sequence of the LTBP3 protein. It affects a nucleotide within the consensus splice site.

Literature cited by the submitters: PubMed 17576681; PubMed 9536098.